The following is an entry in ClinVar:

ClinVar aggregate classification (germline): Uncertain significance (1 of 4 stars; one submission).

Submission:

GeneDx
Classification: Uncertain significance. Last evaluated: 2023-04-07. Review status: criteria provided, single submitter. Criteria: GeneDx Variant Classification Process June 2021. Collection method: clinical testing. Allele origin: germline. Affected: yes.
Comment: Frameshift variant predicted to result in protein truncation or nonsense mediated decay in a gene or region of a gene for which loss of function is not a well-established mechanism of disease; Not observed at significant frequency in large population cohorts (gnomAD); Has not been previously published as pathogenic or benign to our knowledge; Variants in candidate genes are classified as variants of uncertain significance in accordance with ACMG guidelines (Richards et al., 2015)

NM_003074.4(SMARCC1):c.2162_2163insAA (p.Phe722fs)

Gene: SMARCC1 (SWI/SNF related BAF chromatin remodeling complex subunit C1; minus strand). Cytogenetic location: 3p21.31.
Variant type: Insertion.
Coding change: c.2162_2163insAA on transcript NM_003074.4 (MANE Select); coding-DNA positions 2162 to 2163, AA inserted.
Protein change: p.Phe722fs; shifts the reading frame from phenylalanine 722.
Molecular consequence: frameshift variant.
Genome position: GRCh38 VCF-style: chr3-47661451-C-CTT. GRCh37 (hg19) VCF-style: chr3-47702941-C-CTT.
Other names: short protein forms F722fs.
Identifiers: ClinVar variation 3343030 (VCV003343030.1).